The following is an entry in ClinVar:

NM_001378418.1(TCF20):c.755G>A (p.Arg252His)

Gene: TCF20 (transcription factor 20; minus strand). Cytogenetic location: 22q13.2.
Variant type: single nucleotide variant.
Coding change: c.755G>A on transcript NM_001378418.1 (MANE Select); coding-DNA position 755, G replaced by A.
Protein change: p.Arg252His; replaces arginine 252 with histidine.
Molecular consequence: missense variant.
Genome position (GRCh38, 1-based): chr22:42,214,551, C>T on the plus strand (G>A on the coding strand, the complement: TCF20 is on the minus strand). VCF-style: chr22-42214551-C-T. GRCh37 (hg19) VCF-style: chr22-42610557-C-T.
Other names: c.755G>A (NM_005650.1); c.755G>A, p.Arg252His (NM_005650.4, NM_181492.3); short protein forms R252H.
Identifiers: ClinVar variation 3604692 (VCV003604692.3).

ClinVar aggregate classification (germline): Conflicting classifications of pathogenicity. Review status: criteria provided, conflicting classifications (1 of 4 stars). 2 submissions from 2 submitters: Uncertain significance (1); Likely benign (1). Last evaluated 2025-11-24.

Conditions:
Inborn genetic diseases. Identifiers: MedGen C0950123, MeSH D030342.

gnomAD v4.1: 39 of 1,613,936 alleles (0.0024%); highest among the groups gnomAD compares: Middle Eastern, 0.016%; no homozygotes.

Submissions (2):

Labcorp Genetics (formerly Invitae), Labcorp
Classification: Uncertain significance. Last evaluated: 2025-11-24. Review status: criteria provided, single submitter. Criteria: Invitae Variant Classification Sherloc (09022015). Collection method: clinical testing. Allele origin: germline.
Comment: This sequence change replaces arginine, which is basic and polar, with histidine, which is basic and polar, at codon 252 of the TCF20 protein (p.Arg252His). This variant is present in population databases (rs753036168, gnomAD 0.01%). This variant has not been reported in the literature in individuals affected with TCF20-related conditions. ClinVar contains an entry for this variant (Variation ID: 3604692). An algorithm developed to predict the effect of missense changes on protein structure and function (PolyPhen-2) suggests that this variant is likely to be disruptive. In summary, the available evidence is currently insufficient to determine the role of this variant in disease. Therefore, it has been classified as a Variant of Uncertain Significance.

Ambry Genetics
Classification: Likely benign for Inborn genetic diseases. Last evaluated: 2025-10-07. Review status: criteria provided, single submitter. Criteria: Ambry Variant Classification Scheme 2023. Collection method: clinical testing. Allele origin: germline.